The following is an entry in ClinVar:

ClinVar aggregate classification (germline): Pathogenic/Likely pathogenic. Review status: criteria provided, multiple submitters, no conflicts (2 of 4 stars). 3 submissions from 3 submitters: Pathogenic (1); Likely pathogenic (1). 1 of the submissions does not count toward it. Last evaluated 2024-02-24.

Conditions:
Achondrogenesis, type IB (ACG1B). Also called: Achondrogenesis Type 1B. Identifiers: Orphanet 932, Orphanet 93298, MedGen C0265274, MONDO:0010966, OMIM 600972.
Multiple epiphyseal dysplasia type 4 (EDM4). Also called: MULTIPLE EPIPHYSEAL DYSPLASIA WITH BILAYERED PATELLAE; MULTIPLE EPIPHYSEAL DYSPLASIA WITH CLUBFOOT; MULTIPLE EPIPHYSEAL DYSPLASIA, AUTOSOMAL RECESSIVE; SLC26A2-Related Multiple Epiphyseal Dysplasia; Multiple Epiphyseal Dysplasia, Recessive. Identifiers: Orphanet 93307, MedGen C1847593, MONDO:0009189, OMIM 226900.
Atelosteogenesis type II (AO2). Also called: SLC26A2-Related Atelosteogenesis; NEONATAL OSSEOUS DYSPLASIA I; Neonatal osseous dysplasia 1. Identifiers: Orphanet 56304, MedGen C1850554, MONDO:0009727, OMIM 256050.
Diastrophic dysplasia (DTD). Also called: Diastrophic dwarfism. Identifiers: Orphanet 628, MedGen C0220726, MONDO:0009107, OMIM 222600.

Allele frequency attached by ClinVar (database versions not stated): gnomAD exomes below 0.00001.

Submissions (3):

Baylor Genetics
Classification: Likely pathogenic for Achondrogenesis, type IB. Last evaluated: 2024-02-24. Review status: criteria provided, single submitter. Criteria: ACMG Guidelines, 2015. Collection method: clinical testing. Allele origin: unknown.

Labcorp Genetics (formerly Invitae), Labcorp
Classification: Pathogenic for Atelosteogenesis type II; Multiple epiphyseal dysplasia type 4; Achondrogenesis, type IB; Diastrophic dysplasia. Last evaluated: 2021-10-16. Review status: criteria provided, single submitter. Criteria: Invitae Variant Classification Sherloc (09022015). Collection method: clinical testing. Allele origin: germline.
Comment: For these reasons, this variant has been classified as Pathogenic. This variant disrupts a region of the SLC26A2 protein in which other variant(s) (p.Ala715Val) have been determined to be pathogenic (PMID: 11448940, 15294877, 21077204). This suggests that this is a clinically significant region of the protein, and that variants that disrupt it are likely to be disease-causing. ClinVar contains an entry for this variant (Variation ID: 558379). This variant has not been reported in the literature in individuals affected with SLC26A2-related conditions. This variant is not present in population databases (ExAC no frequency). This sequence change creates a premature translational stop signal (p.Leu644Trpfs*6) in the SLC26A2 gene. While this is not anticipated to result in nonsense mediated decay, it is expected to disrupt the last 96 amino acid(s) of the SLC26A2 protein.

Counsyl
Classification: Likely pathogenic for Multiple epiphyseal dysplasia type 4. Last evaluated: 2018-05-17. Review status: no assertion criteria provided. Collection method: clinical testing. Allele origin: unknown. Not counted in ClinVar's aggregate classification.

Literature cited by the submitters: PubMed 11448940 (cited by Labcorp Genetics (formerly Invitae), Labcorp); PubMed 15294877 (cited by Labcorp Genetics (formerly Invitae), Labcorp); PubMed 21077204 (cited by Labcorp Genetics (formerly Invitae), Labcorp).

NM_000112.4(SLC26A2):c.1926del (p.Leu644fs)

Gene: SLC26A2 (solute carrier family 26 member 2; plus strand). Cytogenetic location: 5q32.
Variant type: Deletion.
Coding change: c.1926del on transcript NM_000112.4 (MANE Select); coding-DNA position 1926, one base deleted (T; older notation c.1926delT).
Protein change: p.Leu644fs; shifts the reading frame from leucine 644.
Molecular consequence: frameshift variant.
Genome position (GRCh38, 1-based): chr5:149,981,519, T deleted. VCF-style (leftmost placement, unchanged base first): chr5-149981518-AT-A. GRCh37 (hg19) VCF-style: chr5-149361081-AT-A.
Other names: c.1926delT (NM_000112.3); short protein forms L644fs.
Identifiers: ClinVar variation 558379 (VCV000558379.10), dbSNP rs1481910744, ClinGen allele CA563955709.